The following is an entry in ClinVar:

NM_152564.5(VPS13B):c.2852G>T (p.Gly951Val)

Gene: VPS13B (vacuolar protein sorting 13 homolog B; plus strand). Cytogenetic location: 8q22.2.
Variant type: single nucleotide variant.
Coding change: c.2852G>T on transcript NM_152564.5 (MANE Select); coding-DNA position 2852, G replaced by T.
Protein change: p.Gly951Val; replaces glycine 951 with valine.
Molecular consequence: missense variant.
Genome position (GRCh38, 1-based): chr8:99,384,235, G>T. VCF-style: chr8-99384235-G-T. GRCh37 (hg19) VCF-style: chr8-100396463-G-T.
Other names: c.2852G>T, p.Gly951Val (NM_017890.5); short protein forms G951V.
Identifiers: ClinVar variation 195520 (VCV000195520.15), dbSNP rs770406179, ClinGen allele CA241969.

ClinVar aggregate classification (germline): Uncertain significance. Review status: criteria provided, multiple submitters, no conflicts (2 of 4 stars). 3 submissions from 3 submitters: Uncertain significance (2). 1 of the submissions does not count toward it. Last evaluated 2022-08-03.

Conditions:
Cohen syndrome (COH1). Also called: PEPPER SYNDROME; Cutis verticis gyrata, retinitis pigmentosa, and sensorineural deafness. Identifiers: Orphanet 193, MedGen C0265223, MONDO:0008999, OMIM 216550.

Allele frequency attached by ClinVar (database versions not stated): ExAC 0.00001.
gnomAD v4.1: 1 of 1,613,890 alleles (0.000062%); highest among the groups gnomAD compares: Admixed American, 0.0017%; no homozygotes.

Submissions (3):

Labcorp Genetics (formerly Invitae), Labcorp
Classification: Uncertain significance for Cohen syndrome. Last evaluated: 2022-08-03. Review status: criteria provided, single submitter. Criteria: Invitae Variant Classification Sherloc (09022015). Collection method: clinical testing. Allele origin: germline.
Comment: This sequence change replaces glycine, which is neutral and non-polar, with valine, which is neutral and non-polar, at codon 951 of the VPS13B protein (p.Gly951Val). The frequency data for this variant in the population databases is considered unreliable, as metrics indicate poor data quality at this position in the gnomAD database. In summary, the available evidence is currently insufficient to determine the role of this variant in disease. Therefore, it has been classified as a Variant of Uncertain Significance. Algorithms developed to predict the effect of missense changes on protein structure and function are either unavailable or do not agree on the potential impact of this missense change (SIFT: "Not Available"; PolyPhen-2: "Probably Damaging"; Align-GVGD: "Not Available"). ClinVar contains an entry for this variant (Variation ID: 195520). This variant has not been reported in the literature in individuals affected with VPS13B-related conditions.

Eurofins Ntd Llc (ga)
Classification: Uncertain significance. Last evaluated: 2015-03-31. Review status: criteria provided, single submitter. Criteria: EGL Classification Definitions 2015. Collection method: clinical testing. Allele origin: germline. Observed: 1 variant allele, 1 heterozygote.

Natera, Inc.
Classification: Uncertain significance for Cohen syndrome. Last evaluated: 2020-01-24. Review status: no assertion criteria provided. Collection method: clinical testing. Allele origin: germline. Not counted in ClinVar's aggregate classification.